The following is an entry in ClinVar:

NM_003482.4(KMT2D):c.674-4G>A

Gene: KMT2D (lysine methyltransferase 2D; minus strand). Cytogenetic location: 12q13.12.
Variant type: single nucleotide variant.
Coding change: c.674-4G>A on transcript NM_003482.4 (MANE Select); 4 bases into the intron before coding-DNA position 674, G replaced by A.
Molecular consequence: intron variant.
Genome position (GRCh38, 1-based): chr12:49,053,645, C>T on the plus strand (G>A on the coding strand, the complement: KMT2D is on the minus strand). VCF-style: chr12-49053645-C-T. GRCh37 (hg19) VCF-style: chr12-49447428-C-T.
Other names: c.674-4G>A (NM_003482.3).
Identifiers: ClinVar variation 1612814 (VCV001612814.9), dbSNP rs371522093, ClinGen allele CA236622547.

ClinVar aggregate classification (germline): Likely benign. Review status: criteria provided, multiple submitters, no conflicts (2 of 4 stars). 2 submissions from 2 submitters: Likely benign (2). Last evaluated 2025-03-14.

Conditions:
KMT2D-related disorder. Also called: KMT2D-Related Disorders.
Kabuki syndrome. Also called: NIIKAWA-KUROKI SYNDROME; Kabuki make-up syndrome. Identifiers: Orphanet 2322, MedGen C0796004, MONDO:0016512.

Allele frequency attached by ClinVar (database versions not stated): gnomAD exomes 0.00002 and 0.00004; gnomAD 0.00004; TOPMed 0.00004; ESP Exome Variant Server 0.00008.
gnomAD v4.1: 62 of 1,589,392 alleles (0.0039%); highest among the groups gnomAD compares: Non-Finnish European, 0.0051%; no homozygotes.

Submissions (2):

PreventionGenetics, part of Exact Sciences
Classification: Likely benign for KMT2D-related condition. Last evaluated: 2025-03-14. Review status: criteria provided, single submitter. Criteria: ACMG Guidelines, 2015. Collection method: clinical testing. Allele origin: germline.
Comment: This variant is classified as likely benign based on ACMG/AMP sequence variant interpretation guidelines (Richards et al. 2015 PMID: 25741868, with internal and published modifications).

Labcorp Genetics (formerly Invitae), Labcorp
Classification: Likely benign for Kabuki syndrome. Last evaluated: 2024-05-10. Review status: criteria provided, single submitter. Criteria: Invitae Variant Classification Sherloc (09022015). Collection method: clinical testing. Allele origin: germline.